The following is an entry in ClinVar:

ClinVar aggregate classification (germline): Uncertain significance. Review status: criteria provided, multiple submitters, no conflicts (2 of 4 stars). 2 submissions from 2 submitters: Uncertain significance (2). Last evaluated 2022-04-12.

Conditions:
Inborn genetic diseases. Identifiers: MedGen C0950123, MeSH D030342.

Allele frequency attached by ClinVar (database versions not stated): gnomAD 0.00001.
gnomAD v4.1: 2 of 1,612,326 alleles (0.00012%); highest among the groups gnomAD compares: Admixed American, 0.0033%; no homozygotes.

Submissions (2):

Labcorp Genetics (formerly Invitae), Labcorp
Classification: Uncertain significance. Last evaluated: 2022-04-12. Review status: criteria provided, single submitter. Criteria: Invitae Variant Classification Sherloc (09022015). Collection method: clinical testing. Allele origin: germline.
Comment: This sequence change replaces lysine, which is basic and polar, with glutamic acid, which is acidic and polar, at codon 1513 of the KIAA1549 protein (p.Lys1513Glu). This variant is present in population databases (no rsID available, gnomAD 0.1%). This variant has not been reported in the literature in individuals affected with KIAA1549-related conditions. Algorithms developed to predict the effect of missense changes on protein structure and function are either unavailable or do not agree on the potential impact of this missense change (SIFT: "Deleterious"; PolyPhen-2: "Probably Damaging"; Align-GVGD: "Class C0"). In summary, the available evidence is currently insufficient to determine the role of this variant in disease. Therefore, it has been classified as a Variant of Uncertain Significance.

Ambry Genetics
Classification: Uncertain significance for Inborn genetic diseases. Last evaluated: 2021-08-16. Review status: criteria provided, single submitter. Criteria: Ambry Variant Classification Scheme 2023. Collection method: clinical testing. Allele origin: germline.

NM_001164665.2(KIAA1549):c.4537A>G (p.Lys1513Glu)

Gene: KIAA1549 (KIAA1549; minus strand). Cytogenetic location: 7q34.
Variant type: single nucleotide variant.
Coding change: c.4537A>G on transcript NM_001164665.2 (MANE Select); coding-DNA position 4537, A replaced by G.
Protein change: p.Lys1513Glu; replaces lysine 1513 with glutamic acid.
Molecular consequence: missense variant.
Genome position (GRCh38, 1-based): chr7:138,871,171, T>C on the plus strand (A>G on the coding strand, the complement: KIAA1549 is on the minus strand). VCF-style: chr7-138871171-T-C. GRCh37 (hg19) VCF-style: chr7-138555917-T-C.
Other names: c.4537A>G, p.Lys1513Glu (NM_020910.3); short protein forms K1513E.
Identifiers: ClinVar variation 1963945 (VCV001963945.4), dbSNP rs1363744026, ClinGen allele CA369374446.
Genomic context (GRCh38, chr7:138,871,171, plus strand): 5'-TTAGCCGAGTTTTTTAAGTAACAGACTTTTAAATAAAAGCAAATACCTCTTTGTTGATTT[T>C]ATTGCTTTCCGCCACTCGGTCGGCTGGGGAGGGGCGCTGGACGGGAGGTGCCGGGATCGG-3'
Protein context (NP_001158137.1, residues 1503-1523): SPADRVAESN[Lys1513Glu]INKEIQTALR